The following is an entry in ClinVar:

NM_004444.5(EPHB4):c.1231G>A (p.Gly411Arg)

Gene: EPHB4 (EPH receptor B4; minus strand). Cytogenetic location: 7q22.1.
Variant type: single nucleotide variant.
Coding change: c.1231G>A on transcript NM_004444.5 (MANE Select); coding-DNA position 1231, G replaced by A.
Protein change: p.Gly411Arg; replaces glycine 411 with arginine.
Molecular consequence: missense variant.
Genome position (GRCh38, 1-based): chr7:100,819,623, C>T on the plus strand (G>A on the coding strand, the complement: EPHB4 is on the minus strand). VCF-style: chr7-100819623-C-T. GRCh37 (hg19) VCF-style: chr7-100417245-C-T.
Other names: short protein forms G411R.
Identifiers: ClinVar variation 2633158 (VCV002633158.6), dbSNP rs144185458, ClinGen allele CA4393070.

ClinVar aggregate classification (germline): Uncertain significance. Review status: criteria provided, multiple submitters, no conflicts (2 of 4 stars). 4 submissions from 4 submitters: Uncertain significance (4). Last evaluated 2026-01-21.

Conditions:
Cardiovascular phenotype. Identifiers: MedGen CN230736.
EPHB4-related disorder. Also called: EPHB4-related condition; EPHB4-related disorders.

Allele frequency attached by ClinVar (database versions not stated): ExAC 0.00001; gnomAD exomes 0.00001; TOPMed 0.00001; ESP Exome Variant Server 0.00008.
gnomAD v4.1: 19 of 1,605,028 alleles (0.0012%); highest among the groups gnomAD compares: South Asian, 0.0022%; no homozygotes.

Submissions (4):

Ambry Genetics
Classification: Uncertain significance for Cardiovascular phenotype. Last evaluated: 2026-01-21. Review status: criteria provided, single submitter. Criteria: Ambry Variant Classification Scheme 2023. Collection method: clinical testing. Allele origin: germline.
Comment: The p.G411R variant (also known as c.1231G>A), located in coding exon 6 of the EPHB4 gene, results from a G to A substitution at nucleotide position 1231. The glycine at codon 411 is replaced by arginine, an amino acid with dissimilar properties. This amino acid position is conserved. In addition, this alteration is predicted to be deleterious by in silico analysis. Based on the available evidence, the clinical significance of this variant remains unclear.

GeneDx
Classification: Uncertain significance. Last evaluated: 2023-07-05. Review status: criteria provided, single submitter. Criteria: GeneDx Variant Classification Process June 2021. Collection method: clinical testing. Allele origin: germline. Affected: yes.
Comment: Not observed at significant frequency in large population cohorts (gnomAD); In silico analysis supports that this missense variant has a deleterious effect on protein structure/function; Has not been previously published as pathogenic or benign to our knowledge

PreventionGenetics, part of Exact Sciences
Classification: Uncertain significance for EPHB4-related condition. Last evaluated: 2023-05-22. Review status: criteria provided, single submitter. Criteria: ACMG Guidelines, 2015. Collection method: clinical testing. Allele origin: germline.
Comment: The EPHB4 c.1231G>A variant is predicted to result in the amino acid substitution p.Gly411Arg. To our knowledge, this variant has not been reported in the literature. This variant is reported in 0.00089% of alleles in individuals of European (Non-Finnish) descent in gnomAD. At this time, the clinical significance of this variant is uncertain due to the absence of conclusive functional and genetic evidence.

Labcorp Genetics (formerly Invitae), Labcorp
Classification: Uncertain significance. Last evaluated: 2023-04-22. Review status: criteria provided, single submitter. Criteria: Invitae Variant Classification Sherloc (09022015). Collection method: clinical testing. Allele origin: germline.
Comment: In summary, the available evidence is currently insufficient to determine the role of this variant in disease. Therefore, it has been classified as a Variant of Uncertain Significance. Advanced modeling of protein sequence and biophysical properties (such as structural, functional, and spatial information, amino acid conservation, physicochemical variation, residue mobility, and thermodynamic stability) performed at Invitae indicates that this missense variant is expected to disrupt EPHB4 protein function. This variant has not been reported in the literature in individuals affected with EPHB4-related conditions. This variant is present in population databases (rs144185458, gnomAD 0.0009%). This sequence change replaces glycine, which is neutral and non-polar, with arginine, which is basic and polar, at codon 411 of the EPHB4 protein (p.Gly411Arg).